The following is an entry in ClinVar:

ClinVar aggregate classification (germline): Likely benign. Review status: criteria provided, multiple submitters, no conflicts (2 of 4 stars). 2 submissions from 2 submitters: Likely benign (2). Last evaluated 2018-01-13.

Conditions:
Methylmalonic aciduria, cblA type (MACA). Also called: Methylmalonic aciduria, vitamin b12-responsive, due to defect in synthesis of adenosylcobalamin, cbla complementation type; MMA cbl A type; Methylmalonic acidemia cblA type; Methylmalonic aciduria, vitamin B12-responsive; Vitamin B12-responsive methylmalonic acidemia type cblA. Identifiers: Orphanet 28, Orphanet 79310, MedGen C1855109, MONDO:0009613, OMIM 251100.

Allele frequency attached by ClinVar (database versions not stated): gnomAD 0.00048 and 0.00083; TOPMed 0.00096; 1000 Genomes Project 30x 0.00422; 1000 Genomes Project 0.00519.

Submissions (2):

Illumina Laboratory Services, Illumina
Classification: Likely benign for Methylmalonic aciduria, cblA type. Last evaluated: 2018-01-13. Review status: criteria provided, single submitter. Criteria: ICSL Variant Classification Criteria 13 December 2019. Collection method: clinical testing. Allele origin: germline.
Comment: This variant was observed in the ICSL laboratory as part of a predisposition screen in an ostensibly healthy population. It had not been previously curated by ICSL or reported in the Human Gene Mutation Database (HGMD: prior to June 1st, 2018), and was therefore a candidate for classification through an automated scoring system. Utilizing variant allele frequency, disease prevalence and penetrance estimates, and inheritance mode, an automated score was calculated to assess if this variant is too frequent to cause the disease. Based on the score and internal cut-off values, a variant classified as likely benign is not then subjected to further curation. The score for this variant resulted in a classification of likely benign for this disease.

Breakthrough Genomics
Classification: Likely benign. Review status: criteria provided, single submitter. Criteria: ACMG Guidelines, 2015. Collection method: not provided. Allele origin: germline. Inheritance: Autosomal recessive inheritance. Affected: yes.

NM_172250.3(MMAA):c.*3254A>C

Gene: MMAA (metabolism of cobalamin associated A; plus strand). Cytogenetic location: 4q31.21.
Variant type: single nucleotide variant.
Coding change: c.*3254A>C on transcript NM_172250.3 (MANE Select); 3254 bases downstream of the stop codon, A replaced by C.
Molecular consequence: 3 prime UTR variant.
Genome position (GRCh38, 1-based): chr4:145,658,688, A>C. VCF-style: chr4-145658688-A-C. GRCh37 (hg19) VCF-style: chr4-146579840-A-C.
Identifiers: ClinVar variation 347660 (VCV000347660.6), dbSNP rs539831571, ClinGen allele CA10620191.